The following is an entry in ClinVar:

ClinVar aggregate classification (germline): other (0 of 4 stars; one submission).

Conditions:
Familial colorectal cancer. Identifiers: MedGen CN280943, MONDO:0023113. Disease mechanism: loss of function.

Submission:

Systems Biology Platform Zhejiang California International NanoSystems Institute
Classification: other for Familial colorectal cancer. Review status: no assertion criteria provided. Collection method: not provided. Allele origin: unknown.
ClinVar note: Converted during submission from cancer to other.

NM_001127511.3(APC):c.166-28622T>G

Gene: APC (APC regulator of Wnt signaling pathway; plus strand). Cytogenetic location: 5q22.2.
Variant type: single nucleotide variant.
Coding change: c.166-28622T>G on transcript NM_001127511.3; 28622 bases into the intron before coding-DNA position 166, T replaced by G.
Molecular consequence: intron variant.
Genome position (GRCh38, 1-based): chr5:112,737,704, T>G. VCF-style: chr5-112737704-T-G. GRCh37 (hg19) VCF-style: chr5-112073401-T-G.
Other names: c.-1053-17169T>G (NM_001407470.1, NM_001407472.1); c.-18-17169T>G (NM_001407447.1, NM_001354895.2, NM_001407456.1 and 7 more transcripts); c.166-28622T>G (NM_001407446.1, NM_001354897.2, NM_001354902.2); c.-42-28622T>G (NM_001407453.1).
Identifiers: ClinVar variation 82327 (VCV000082327.4), dbSNP rs78597499, ClinGen allele CA023881.